The following is an entry in ClinVar:

NM_000329.3(RPE65):c.254G>A (p.Arg85His)

Gene: RPE65 (retinoid isomerohydrolase RPE65; minus strand). Cytogenetic location: 1p31.3.
Variant type: single nucleotide variant.
Coding change: c.254G>A on transcript NM_000329.3 (MANE Select); coding-DNA position 254, G replaced by A.
Protein change: p.Arg85His; replaces arginine 85 with histidine.
Molecular consequence: missense variant.
Genome position (GRCh38, 1-based): chr1:68,444,875, C>T on the plus strand (G>A on the coding strand, the complement: RPE65 is on the minus strand). VCF-style: chr1-68444875-C-T. GRCh37 (hg19) VCF-style: chr1-68910558-C-T.
Other names: short protein forms R85H.
Identifiers: ClinVar variation 98855 (VCV000098855.6), dbSNP rs61752870, ClinGen allele CA226529.

ClinVar aggregate classification (germline): Uncertain significance. Review status: criteria provided, multiple submitters, no conflicts (2 of 4 stars). 4 submissions from 4 submitters: Uncertain significance (3). 1 of the submissions does not count toward it. Last evaluated 2024-10-21.

Conditions:
Retinitis pigmentosa 20 (RP20). Identifiers: Orphanet 791, MedGen C3151086, MONDO:0013425, OMIM 613794.
Leber congenital amaurosis 2 (LCA2). Also called: AMAUROSIS CONGENITA OF LEBER II; Autosomal Recessive RPE65-Related Retinal Degeneration. Identifiers: Orphanet 65, MedGen C1859844, MONDO:0008765, OMIM 204100. Disease mechanism: loss of function.

Allele frequency attached by ClinVar (database versions not stated): TOPMed 0.00002; gnomAD 0.00005; ESP Exome Variant Server 0.00008.
gnomAD v4.1: 115 of 1,613,918 alleles (0.0071%); highest among the groups gnomAD compares: Middle Eastern, 0.016%; no homozygotes.

Submissions (4):

Blueprint Genetics
Classification: Uncertain significance. Last evaluated: 2024-10-21. Review status: criteria provided, single submitter. Criteria: ACMG Guidelines, 2015. Collection method: clinical testing. Allele origin: germline.

Labcorp Genetics (formerly Invitae), Labcorp
Classification: Uncertain significance for Leber congenital amaurosis 2; Retinitis pigmentosa 20. Last evaluated: 2024-10-07. Review status: criteria provided, single submitter. Criteria: Invitae Variant Classification Sherloc (09022015). Collection method: clinical testing. Allele origin: germline.
Comment: This sequence change replaces arginine, which is basic and polar, with histidine, which is basic and polar, at codon 85 of the RPE65 protein (p.Arg85His). This variant is present in population databases (rs61752870, gnomAD 0.01%). This missense change has been observed in individual(s) with retinal dystrophy (PMID: 11095629). ClinVar contains an entry for this variant (Variation ID: 98855). Invitae Evidence Modeling of protein sequence and biophysical properties (such as structural, functional, and spatial information, amino acid conservation, physicochemical variation, residue mobility, and thermodynamic stability) indicates that this missense variant is not expected to disrupt RPE65 protein function with a negative predictive value of 80%. In summary, the available evidence is currently insufficient to determine the role of this variant in disease. Therefore, it has been classified as a Variant of Uncertain Significance.

Women's Health and Genetics/Laboratory Corporation of America, LabCorp
Classification: Uncertain significance. Last evaluated: 2023-12-14. Review status: criteria provided, single submitter. Criteria: LabCorp Variant Classification Summary - May 2015. Collection method: clinical testing. Allele origin: germline.
Comment: Variant summary: RPE65 c.254G>A (p.Arg85His) results in a non-conservative amino acid change in the encoded protein sequence. Three of five in-silico tools predict a damaging effect of the variant on protein function. The variant allele was found at a frequency of 4.8e-05 in 251080 control chromosomes. This frequency is not significantly higher than estimated for a pathogenic variant in RPE65 causing Leber Congenital Amaurosis (4.8e-05 vs 0.0014), allowing no conclusion about variant significance. c.254G>A has been reported in the literature in one individual affected with Inherited Retinal Degeneration, without strong evidence for causality (Thompson_2000). These report(s) do not provide unequivocal conclusions about association of the variant with Leber Congenital Amaurosis. To our knowledge, no experimental evidence demonstrating an impact on protein function has been reported. The following publication have been ascertained in the context of this evaluation (PMID: 11095629). One submitter has cited clinical-significance assessments for this variant to ClinVar after 2014 and has classified the variant as uncertain significance. Based on the evidence outlined above, the variant was classified as uncertain significance.

Retina International
No classification provided. Review status: no classification provided. Collection method: not provided. Allele origin: not provided. Not counted in ClinVar's aggregate classification.

Literature cited by the submitters: PubMed 11095629 (cited by Labcorp Genetics (formerly Invitae), Labcorp and Women's Health and Genetics/Laboratory Corporation of America, LabCorp).